The following is an entry in ClinVar:

ClinVar aggregate classification (germline): Benign/Likely benign. Review status: criteria provided, multiple submitters, no conflicts (2 of 4 stars). 3 submissions from 3 submitters: Benign (1); Likely benign (1). 1 of the submissions does not count toward it. Last evaluated 2025-02-04.

Conditions:
X-linked intellectual disability Cabezas type (MRXSC). Also called: CABEZAS SYNDROME; MENTAL RETARDATION, X-LINKED, SYNDROMIC 15; Intellectual developmental disorder, X-linked syndromic, Cabezas type. Identifiers: Orphanet 85289, Orphanet 85293, MedGen C1845861, MONDO:0010306, OMIM 300354.
CUL4B-related disorder. Also called: CUL4B-related condition.
Inborn genetic diseases. Identifiers: MedGen C0950123, MeSH D030342.

Allele frequency attached by ClinVar (database versions not stated): ESP Exome Variant Server 0.00076; gnomAD 0.00040; 1000 Genomes Project 30x 0.00042; 1000 Genomes Project 0.00026; TOPMed 0.00047; gnomAD exomes 0.00005; ExAC 0.00017.
gnomAD v4.1: 101 of 1,175,856 alleles (0.0086%); highest among the groups gnomAD compares: African/African-American, 0.16%; no homozygotes.

Submissions (3):

Labcorp Genetics (formerly Invitae), Labcorp
Classification: Benign for X-linked intellectual disability Cabezas type. Last evaluated: 2025-02-04. Review status: criteria provided, single submitter. Criteria: Invitae Variant Classification Sherloc (09022015). Collection method: clinical testing. Allele origin: germline.

Ambry Genetics
Classification: Likely benign for Inborn genetic diseases. Last evaluated: 2016-03-25. Review status: criteria provided, single submitter. Criteria: Ambry Variant Classification Scheme 2023. Collection method: clinical testing. Allele origin: germline.

PreventionGenetics, part of Exact Sciences
Classification: Likely benign for CUL4B-related condition. Last evaluated: 2020-08-07. Review status: no assertion criteria provided. Collection method: clinical testing. Allele origin: germline. Not counted in ClinVar's aggregate classification.
Comment: This variant is classified as likely benign based on ACMG/AMP sequence variant interpretation guidelines (Richards et al. 2015 PMID: 25741868, with internal and published modifications).

NM_001079872.2(CUL4B):c.1164A>G (p.Gln388=)

Gene: CUL4B (cullin 4B; minus strand). Cytogenetic location: Xq24.
Variant type: single nucleotide variant.
Coding change: c.1164A>G on transcript NM_001079872.2 (MANE Select); coding-DNA position 1164, A replaced by G.
Protein change: p.Gln388=; no amino-acid change (glutamine 388 retained).
Molecular consequence: synonymous variant.
Genome position (GRCh38, 1-based): chrX:120,544,123, T>C on the plus strand (A>G on the coding strand, the complement: CUL4B is on the minus strand). VCF-style: chrX-120544123-T-C. GRCh37 (hg19) VCF-style: chrX-119677978-T-C.
Other names: c.1179A>G, p.Gln393= (NM_001330624.2); c.630A>G, p.Gln210= (NM_001369145.1); c.1218A>G, p.Gln406= (NM_003588.4).
Identifiers: ClinVar variation 1752121 (VCV001752121.9), dbSNP rs139239689, ClinGen allele CA10505586.